The following is an entry in ClinVar:

ClinVar aggregate classification (germline): Uncertain significance (1 of 4 stars; one submission).

Conditions:
Arrhythmogenic right ventricular cardiomyopathy (ARVD). Also called: Arrhythmogenic right ventricular dysplasia; Cardiomyopathy, ARVC; Arrhythmogenic cardiomyopathy; Arrhythmogenic Right Ventricular Cardiomyopathy (ARVC). Identifiers: Orphanet 247, MedGen C0349788, MeSH D019571, MONDO:0016587. Disease mechanism: loss of function. Inheritance: Various modes of inheritance.

Submission:

All of Us Research Program, National Institutes of Health
Classification: Uncertain significance for Arrhythmogenic right ventricular cardiomyopathy. Last evaluated: 2023-10-06. Review status: criteria provided, single submitter. Criteria: ACMG Guidelines, 2015. Collection method: clinical testing. Allele origin: germline. Inheritance: Autosomal dominant inheritance. Observed: 1 variant allele, 1 heterozygote.
Comment: This missense variant replaces leucine with arginine at codon 30 of the PKP2 protein. Computational prediction suggests that this variant may have deleterious impact on protein structure and function (internally defined REVEL score threshold >= 0.7, PMID: 27666373). To our knowledge, functional studies have not been reported for this variant. This variant has not been reported in individuals affected with PKP2-related disorders in the literature. This variant has not been identified in the general population by the Genome Aggregation Database (gnomAD). The available evidence is insufficient to determine the role of this variant in disease conclusively. Therefore, this variant is classified as a Variant of Uncertain Significance.

This study involves interpretation of variants in research participants for the purpose of population health screening. Participant phenotype was not available at the time of variant classification. Additional details can be found in publication PMID: 35346344, PMCID: PMC8962531

NM_001005242.3(PKP2):c.89T>G (p.Leu30Arg)

Gene: PKP2 (plakophilin 2; minus strand). Cytogenetic location: 12p11.21.
Variant type: single nucleotide variant.
Coding change: c.89T>G on transcript NM_001005242.3 (MANE Select); coding-DNA position 89, T replaced by G.
Protein change: p.Leu30Arg; replaces leucine 30 with arginine.
Molecular consequence: missense variant. On other transcripts: 5 prime UTR variant (4).
Genome position (GRCh38, 1-based): chr12:32,896,643, A>C on the plus strand (T>G on the coding strand, the complement: PKP2 is on the minus strand). VCF-style: chr12-32896643-A-C. GRCh37 (hg19) VCF-style: chr12-33049577-A-C.
Other names: c.89T>G, p.Leu30Arg (NM_001407155.1, NM_001407156.1, NM_001407157.1 and 2 more transcripts); c.-738T>G (NM_001407158.1, NM_001407162.1); c.-502T>G (NM_001407159.1, NM_001407160.1); short protein forms L30R.
Identifiers: ClinVar variation 3073859 (VCV003073859.1), dbSNP rs1957128191, ClinGen allele CA384371480.